The following is an entry in ClinVar:

ClinVar aggregate classification (germline): Uncertain significance (1 of 4 stars; one submission).

Conditions:
Immunodeficiency 104. Also called: Severe combined immunodeficiency, autosomal recessive, T cell-negative, B cell-positive, NK cell-positive; SCID, AUTOSOMAL RECESSIVE, T CELL-NEGATIVE, B CELL-POSITIVE, NK CELL-POSITIVE; Severe Combined Immune Deficiency, Autosomal Recessive, TCell -Negative, B Cell-Positive, NK Cell-Positive, IL7R-Related; IMMUNODEFICIENCY 104, SEVERE COMBINED. Identifiers: MedGen C5676890, MONDO:0012163, OMIM 608971.

Submission:

Labcorp Genetics (formerly Invitae), Labcorp
Classification: Uncertain significance for Immunodeficiency 104. Last evaluated: 2022-09-27. Review status: criteria provided, single submitter. Criteria: Invitae Variant Classification Sherloc (09022015). Collection method: clinical testing. Allele origin: germline.
Comment: Algorithms developed to predict the effect of sequence changes on RNA splicing suggest that this variant may create or strengthen a splice site. In summary, the available evidence is currently insufficient to determine the role of this variant in disease. Therefore, it has been classified as a Variant of Uncertain Significance. Advanced modeling of protein sequence and biophysical properties (such as structural, functional, and spatial information, amino acid conservation, physicochemical variation, residue mobility, and thermodynamic stability) performed at Invitae indicates that this missense variant is not expected to disrupt IL7R protein function. This variant has not been reported in the literature in individuals affected with IL7R-related conditions. This variant is not present in population databases (gnomAD no frequency). This sequence change replaces glycine, which is neutral and non-polar, with arginine, which is basic and polar, at codon 372 of the IL7R protein (p.Gly372Arg).

NM_002185.5(IL7R):c.1114G>A (p.Gly372Arg)

Gene: IL7R (interleukin 7 receptor; plus strand). Cytogenetic location: 5p13.2.
Variant type: single nucleotide variant.
Coding change: c.1114G>A on transcript NM_002185.5 (MANE Select); coding-DNA position 1114, G replaced by A.
Protein change: p.Gly372Arg; replaces glycine 372 with arginine.
Molecular consequence: missense variant. On other transcripts: non-coding transcript variant (1).
Genome position (GRCh38, 1-based): chr5:35,876,220, G>A. VCF-style: chr5-35876220-G-A. GRCh37 (hg19) VCF-style: chr5-35876322-G-A.
Other names: c.*231G>A (NM_001410734.1); short protein forms G372R.
Identifiers: ClinVar variation 2051440 (VCV002051440.4), dbSNP rs2149905765, ClinGen allele CA359432915.